The following is an entry in ClinVar:

ClinVar aggregate classification (germline): Pathogenic/Likely pathogenic. Review status: criteria provided, multiple submitters, no conflicts (2 of 4 stars). 2 submissions from 2 submitters: Pathogenic (1); Likely pathogenic (1). Last evaluated 2024-05-08.

Conditions:
VPS13A-related neurodegenerative disease. Also called: Choreoacanthocytosis; Chorea-acanthocytosis; Choreaacanthocytosis; LEVINE-CRITCHLEY SYNDROME; VPS13A Disease; ACANTHOCYTOSIS WITH NEUROLOGIC DISORDER. Identifiers: Orphanet 2388, MedGen C0393576, MONDO:0008695, OMIM 200150.

Submissions (2):

Myriad Genetics, Inc.
Classification: Pathogenic for VPS13A-related neurodegenerative disease. Last evaluated: 2024-05-08. Review status: criteria provided, single submitter. Criteria: Myriad Autosomal Dominant, Autosomal Recessive and X-Linked Classification Criteria (2023). Collection method: clinical testing. Allele origin: unknown.
Comment: NM_033305.2(VPS13A):c.6818C>A(S2273*) is expected to be pathogenic in the context of VPS13A disease. This variant is predicted to lead to an abnormal or absent protein product due to the creation of a premature termination codon in VPS13A, a gene where loss-of-function variants are known to be pathogenic. Please note: this variant was assessed in the context of healthy population screening.

Baylor Genetics
Classification: Likely pathogenic for VPS13A-related neurodegenerative disease. Last evaluated: 2020-06-03. Review status: criteria provided, single submitter. Criteria: ACMG Guidelines, 2015. Collection method: clinical testing. Allele origin: unknown. Affected: yes.
Comment: This variant was determined to be likely pathogenic according to ACMG Guidelines, 2015 [PMID:25741868].

NM_033305.3(VPS13A):c.6818C>A (p.Ser2273Ter)

Gene: VPS13A (vacuolar protein sorting 13 homolog A; plus strand). Cytogenetic location: 9q21.2.
Variant type: single nucleotide variant.
Coding change: c.6818C>A on transcript NM_033305.3 (MANE Select); coding-DNA position 6818, C replaced by A.
Protein change: p.Ser2273Ter; replaces serine 2273 with a stop codon.
Molecular consequence: nonsense.
Genome position (GRCh38, 1-based): chr9:77,340,221, C>A. VCF-style: chr9-77340221-C-A. GRCh37 (hg19) VCF-style: chr9-79955137-C-A.
Other names: c.6701C>A, p.Ser2234Ter (NM_001018037.2); c.6818C>A, p.Ser2273Ter (NM_001018038.3, NM_015186.4); short protein forms S2273*, S2234*.
Identifiers: ClinVar variation 1028515 (VCV001028515.2), dbSNP rs1830740171, ClinGen allele CA373851694.